The following is an entry in ClinVar:

ClinVar aggregate classification (germline): Uncertain significance. Review status: criteria provided, multiple submitters, no conflicts (2 of 4 stars). 2 submissions from 2 submitters: Uncertain significance (2). Last evaluated 2024-04-29.

Conditions:
Hereditary cancer-predisposing syndrome. Also called: Hereditary neoplastic syndrome; Neoplastic Syndromes, Hereditary; Tumor predisposition; Hereditary Cancer Syndrome. Identifiers: Orphanet 140162, MedGen C0027672, MeSH D009386, MONDO:0015356.
Familial cancer of breast. Also called: Hereditary breast cancer; BREAST CANCER, FAMILIAL; hereditary breast carcinoma. Identifiers: Orphanet 227535, MedGen C0346153, MONDO:0016419, OMIM 114480. Disease mechanism: loss of function.

Submissions (2):

Labcorp Genetics (formerly Invitae), Labcorp
Classification: Uncertain significance for Familial cancer of breast. Last evaluated: 2024-04-29. Review status: criteria provided, single submitter. Criteria: Invitae Variant Classification Sherloc (09022015). Collection method: clinical testing. Allele origin: germline.
Comment: This sequence change replaces histidine, which is basic and polar, with arginine, which is basic and polar, at codon 371 of the CHEK2 protein (p.His371Arg). This variant is not present in population databases (gnomAD no frequency). This variant has not been reported in the literature in individuals affected with CHEK2-related conditions. ClinVar contains an entry for this variant (Variation ID: 1035501). An algorithm developed to predict the effect of missense changes on protein structure and function (PolyPhen-2) suggests that this variant is likely to be tolerated. In summary, the available evidence is currently insufficient to determine the role of this variant in disease. Therefore, it has been classified as a Variant of Uncertain Significance.

Ambry Genetics
Classification: Uncertain significance for Hereditary cancer-predisposing syndrome. Last evaluated: 2019-11-13. Review status: criteria provided, single submitter. Criteria: Ambry Variant Classification Scheme 2023. Collection method: clinical testing. Allele origin: germline.
Comment: The p.H371R variant (also known as c.1112A>G), located in coding exon 10 of the CHEK2 gene, results from an A to G substitution at nucleotide position 1112. The histidine at codon 371 is replaced by arginine, an amino acid with highly similar properties. This amino acid position is highly conserved through primates but not in all available vertebrate species. In addition, this alteration is predicted to be tolerated by in silico analysis. Since supporting evidence is limited at this time, the clinical significance of this alteration remains unclear.

NM_007194.4(CHEK2):c.1112A>G (p.His371Arg)

Gene: CHEK2 (checkpoint kinase 2; minus strand). Cytogenetic location: 22q12.1.
Variant type: single nucleotide variant.
Coding change: c.1112A>G on transcript NM_007194.4 (MANE Select); coding-DNA position 1112, A replaced by G.
Protein change: p.His371Arg; replaces histidine 371 with arginine.
Molecular consequence: missense variant.
Genome position (GRCh38, 1-based): chr22:28,695,857, T>C on the plus strand (A>G on the coding strand, the complement: CHEK2 is on the minus strand). VCF-style: chr22-28695857-T-C. GRCh37 (hg19) VCF-style: chr22-29091845-T-C.
Other names: c.1241A>G, p.His414Arg (NM_001005735.3); c.449A>G, p.His150Arg (NM_001257387.3); c.911A>G, p.His304Arg (NM_001349956.3); c.1025A>G, p.His342Arg (NM_145862.3); short protein forms H304R, H371R, H414R, H150R, H342R.
Identifiers: ClinVar variation 1035501 (VCV001035501.10), dbSNP rs1601723545, ClinGen allele CA411097122.